The following is an entry in ClinVar:

NM_004168.4(SDHA):c.396G>T (p.Trp132Cys)

Gene: SDHA (succinate dehydrogenase complex flavoprotein subunit A; plus strand). Cytogenetic location: 5p15.33.
Variant type: single nucleotide variant.
Coding change: c.396G>T on transcript NM_004168.4 (MANE Select); coding-DNA position 396, G replaced by T.
Protein change: p.Trp132Cys; replaces tryptophan 132 with cysteine.
Molecular consequence: missense variant. On other transcripts: intron variant (1).
Genome position (GRCh38, 1-based): chr5:225,502, G>T. VCF-style: chr5-225502-G-T. GRCh37 (hg19) VCF-style: chr5-225617-G-T.
Other names: c.396G>T, p.Trp132Cys (NM_001330758.2); c.313-381G>T (NM_001294332.2); c.396G>T (NM_004168.2); short protein forms W132C.
Identifiers: ClinVar variation 955565 (VCV000955565.14), dbSNP rs1734960239, ClinGen allele CA359009479.
Genomic context (GRCh38, chr5:225,502, plus strand): 5'-GAACATGGAGGAGGACAACTGGAGGTGGCATTTCTACGACACCGTGAAGGGCTCCGACTG[G>T]CTGGGGGACCAGGATGCCATCCACTACATGACGGAGCAGGCCCCCGCCGCCGTGGTCGAG-3'
Protein context (NP_004159.2, residues 122-142): HFYDTVKGSD[Trp132Cys]LGDQDAIHYM

ClinVar aggregate classification (germline): Uncertain significance. Review status: criteria provided, multiple submitters, no conflicts (2 of 4 stars). 3 submissions from 3 submitters: Uncertain significance (3). Last evaluated 2026-06-02.

Conditions:
Hereditary cancer-predisposing syndrome. Also called: Hereditary Cancer Syndrome; Neoplastic Syndromes, Hereditary; Tumor predisposition; Hereditary neoplastic syndrome. Identifiers: Orphanet 140162, MedGen C0027672, MeSH D009386, MONDO:0015356.
Dilated cardiomyopathy 1GG (CMD1GG). Identifiers: Orphanet 154, MedGen C3150898, MONDO:0013339, OMIM 613642.
Mitochondrial complex II deficiency, nuclear type 1. Also called: SUCCINATE CoQ REDUCTASE DEFICIENCY. Identifiers: Orphanet 3208, MedGen C5700310, MONDO:0100294, OMIM 252011.
Pheochromocytoma/paraganglioma syndrome 5. Also called: Paragangliomas 5; SDHA-Related Hereditary Paraganglioma-Pheochromocytoma Syndrome. Identifiers: Orphanet 29072, MedGen C3279992, MONDO:0013602, OMIM 614165.

gnomAD v4.1: 1 of 1,613,952 alleles (0.000062%); highest among the groups gnomAD compares: South Asian, 0.0011%; no homozygotes.

Submissions (3):

Ambry Genetics
Classification: Uncertain significance for Hereditary cancer-predisposing syndrome. Last evaluated: 2026-06-02. Review status: criteria provided, single submitter. Criteria: Ambry Variant Classification Scheme 2023. Collection method: clinical testing. Allele origin: germline.
Comment: The p.W132C variant (also known as c.396G>T), located in coding exon 4 of the SDHA gene, results from a G to T substitution at nucleotide position 396. The tryptophan at codon 132 is replaced by cysteine, an amino acid with highly dissimilar properties. This amino acid position is highly conserved in available vertebrate species. In addition, this alteration is predicted to be deleterious by in silico analysis. Based on the available evidence, the clinical significance of this variant remains unclear.

Labcorp Genetics (formerly Invitae), Labcorp
Classification: Uncertain significance for Pheochromocytoma/paraganglioma syndrome 5; Mitochondrial complex II deficiency, nuclear type 1. Last evaluated: 2023-11-23. Review status: criteria provided, single submitter. Criteria: Invitae Variant Classification Sherloc (09022015). Collection method: clinical testing. Allele origin: germline.
Comment: This sequence change replaces tryptophan, which is neutral and slightly polar, with cysteine, which is neutral and slightly polar, at codon 132 of the SDHA protein (p.Trp132Cys). This variant is not present in population databases (gnomAD no frequency). This variant has not been reported in the literature in individuals affected with SDHA-related conditions. ClinVar contains an entry for this variant (Variation ID: 955565). Advanced modeling of protein sequence and biophysical properties (such as structural, functional, and spatial information, amino acid conservation, physicochemical variation, residue mobility, and thermodynamic stability) has been performed at Invitae for this missense variant, however the output from this modeling did not meet the statistical confidence thresholds required to predict the impact of this variant on SDHA protein function. In summary, the available evidence is currently insufficient to determine the role of this variant in disease. Therefore, it has been classified as a Variant of Uncertain Significance.

Baylor Genetics
Classification: Uncertain significance for Dilated cardiomyopathy 1GG. Last evaluated: 2023-09-26. Review status: criteria provided, single submitter. Criteria: ACMG Guidelines, 2015. Collection method: clinical testing. Allele origin: unknown.